The following is an entry in ClinVar:

NM_000620.5(NOS1):c.2479G>A (p.Gly827Ser)

Gene: NOS1 (nitric oxide synthase 1; minus strand). Cytogenetic location: 12q24.22.
Variant type: single nucleotide variant.
Coding change: c.2479G>A on transcript NM_000620.5 (MANE Select); coding-DNA position 2479, G replaced by A.
Protein change: p.Gly827Ser; replaces glycine 827 with serine.
Molecular consequence: missense variant.
Genome position (GRCh38, 1-based): chr12:117,258,449, C>T on the plus strand (G>A on the coding strand, the complement: NOS1 is on the minus strand). VCF-style: chr12-117258449-C-T. GRCh37 (hg19) VCF-style: chr12-117696254-C-T.
Other names: c.1471G>A, p.Gly491Ser (NM_001204213.2, NM_001204214.2); c.2479G>A, p.Gly827Ser (NM_001204218.2); short protein forms G491S, G827S.
Identifiers: ClinVar variation 2643376 (VCV002643376.24), dbSNP rs544602522, ClinGen allele CA6814835.

ClinVar aggregate classification (germline): Likely benign (1 of 4 stars; one submission).

Allele frequency attached by ClinVar (database versions not stated): TOPMed 0.00002; gnomAD 0.00003; gnomAD exomes 0.00009; 1000 Genomes Project 0.00020; ExAC 0.00023; 1000 Genomes Project 30x 0.00031.

Submission:

CeGaT Center for Human Genetics Tuebingen
Classification: Likely benign. Last evaluated: 2023-02-01. Review status: criteria provided, single submitter. Criteria: CeGaT Center For Human Genetics Tuebingen Variant Classification Criteria Version 2. Collection method: clinical testing. Allele origin: germline. Affected: yes. Observed: 1 variant allele.
Comment: NOS1: PP2, BS2